The following is an entry in ClinVar:

NM_022081.6(HPS4):c.557C>T (p.Ser186Leu)

Gene: HPS4 (HPS4 biogenesis of lysosomal organelles complex 3 subunit 2; minus strand). Cytogenetic location: 22q12.1.
Variant type: single nucleotide variant.
Coding change: c.557C>T on transcript NM_022081.6 (MANE Select); coding-DNA position 557, C replaced by T.
Protein change: p.Ser186Leu; replaces serine 186 with leucine.
Molecular consequence: missense variant. On other transcripts: non-coding transcript variant (8).
Genome position (GRCh38, 1-based): chr22:26,470,758, G>A on the plus strand (C>T on the coding strand, the complement: HPS4 is on the minus strand). VCF-style: chr22-26470758-G-A. GRCh37 (hg19) VCF-style: chr22-26866724-G-A.
Other names: c.557C>T, p.Ser186Leu (NM_001349896.1, NM_001349898.2, NM_001349899.2 and 6 more transcripts); c.542C>T, p.Ser181Leu (NM_152841.2); c.557C>T (NM_022081.4); short protein forms S181L, S186L.
Identifiers: ClinVar variation 281318 (VCV000281318.20), dbSNP rs61729175, ClinGen allele CA10163647.

ClinVar aggregate classification (germline): Conflicting classifications of pathogenicity. Review status: criteria provided, conflicting classifications (1 of 4 stars). 6 submissions from 6 submitters: Uncertain significance (3); Likely benign (2). 1 of the submissions does not count toward it. Last evaluated 2026-01-28.

Conditions:
HPS4-related disorder. Also called: HPS4-related condition.
Inborn genetic diseases. Identifiers: MedGen C0950123, MeSH D030342.

Allele frequency attached by ClinVar (database versions not stated): gnomAD exomes 0.00015 and 0.00026; ExAC 0.00034; 1000 Genomes Project 0.00100; gnomAD 0.00106 and 0.00112; 1000 Genomes Project 30x 0.00109; TOPMed 0.00121; ESP Exome Variant Server 0.00138.
gnomAD v4.1: 393 of 1,614,152 alleles (0.024%); highest among the groups gnomAD compares: African/African-American, 0.35%; no homozygotes.

Submissions (6):

Labcorp Genetics (formerly Invitae), Labcorp
Classification: Likely benign. Last evaluated: 2026-01-28. Review status: criteria provided, single submitter. Criteria: Invitae Variant Classification Sherloc (09022015). Collection method: clinical testing. Allele origin: germline.

Ambry Genetics
Classification: Uncertain significance for Inborn genetic diseases. Last evaluated: 2025-06-18. Review status: criteria provided, single submitter. Criteria: Ambry Variant Classification Scheme 2023. Collection method: clinical testing. Allele origin: germline.

Blueprint Genetics
Classification: Uncertain significance. Last evaluated: 2024-08-15. Review status: criteria provided, single submitter. Criteria: ACMG Guidelines, 2015. Collection method: clinical testing. Allele origin: germline.

Women's Health and Genetics/Laboratory Corporation of America, LabCorp
Classification: Likely benign. Last evaluated: 2023-11-02. Review status: criteria provided, single submitter. Criteria: LabCorp Variant Classification Summary - May 2015. Collection method: clinical testing. Allele origin: germline.
Comment: Variant summary: HPS4 c.557C>T (p.Ser186Leu) results in a non-conservative amino acid change in the encoded protein sequence. Four of five in-silico tools predict a benign effect of the variant on protein function. The variant allele was found at a frequency of 0.00026 in 251390 control chromosomes, predominantly at a frequency of 0.0026 within the African or African-American subpopulation in the gnomAD database. The observed variant frequency within African or African-American control individuals in the gnomAD database is approximately 5-fold of the estimated maximal expected allele frequency for a pathogenic variant in HPS4 causing Hermansky-Pudlak Syndrome phenotype (0.00052), strongly suggesting that the variant is a benign polymorphism found primarily in populations of African or African-American origin. To our knowledge, no occurrence of c.557C>T in individuals affected with Hermansky-Pudlak Syndrome and no experimental evidence demonstrating its impact on protein function have been reported. Two submitters have cited clinical-significance assessments for this variant to ClinVar after 2014. One submitter classified the variant as likely benign, and one submitter classified the variant as uncertain significance. Based on the evidence outlined above, the variant was classified as likely benign.

Eurofins Ntd Llc (ga)
Classification: Uncertain significance. Last evaluated: 2015-06-15. Review status: criteria provided, single submitter. Criteria: EGL Classification Definitions 2015. Collection method: clinical testing. Allele origin: germline. Observed: 1 variant allele, 1 heterozygote.

PreventionGenetics, part of Exact Sciences
Classification: Likely benign for HPS4-related condition. Last evaluated: 2023-11-29. Review status: no assertion criteria provided. Collection method: clinical testing. Allele origin: germline. Not counted in ClinVar's aggregate classification.
Comment: This variant is classified as likely benign based on ACMG/AMP sequence variant interpretation guidelines (Richards et al. 2015 PMID: 25741868, with internal and published modifications).